The following is an entry in ClinVar:

ClinVar aggregate classification (germline): Pathogenic/Likely pathogenic. Review status: criteria provided, multiple submitters, no conflicts (2 of 4 stars). 4 submissions from 4 submitters: Pathogenic (2); Likely pathogenic (2). Last evaluated 2024-08-18.

Conditions:
LRP2-related disorder. Also called: LRP2-related condition.
Donnai-Barrow syndrome. Also called: DBS/FOAR SYNDROME; FACIOOCULOACOUSTICORENAL SYNDROME. Identifiers: Orphanet 2143, MedGen C1857277, MONDO:0009104, OMIM 222448.

Allele frequency attached by ClinVar (database versions not stated): TOPMed 0.00002; gnomAD 0.00001; 1000 Genomes Project 30x 0.00016.
gnomAD v4.1: 4 of 1,614,184 alleles (0.00025%); highest among the groups gnomAD compares: African/African-American, 0.0013%; no homozygotes.

Submissions (4):

Myriad Genetics, Inc.
Classification: Pathogenic for Donnai-Barrow syndrome. Last evaluated: 2024-08-18. Review status: criteria provided, single submitter. Criteria: Myriad Autosomal Dominant, Autosomal Recessive and X-Linked Classification Criteria (2023). Collection method: clinical testing. Allele origin: unknown.
Comment: NM_004525.2(LRP2):c.10660C>T(R3554*) is expected to be pathogenic in the context of Donnai-Barrow syndrome. This variant is predicted to lead to an abnormal or absent protein product due to the creation of a premature termination codon in LRP2, a gene where loss-of-function variants are known to be pathogenic. Please note: this variant was assessed in the context of healthy population screening.

Labcorp Genetics (formerly Invitae), Labcorp
Classification: Pathogenic. Last evaluated: 2024-02-17. Review status: criteria provided, single submitter. Criteria: Invitae Variant Classification Sherloc (09022015). Collection method: clinical testing. Allele origin: germline.
Comment: This sequence change creates a premature translational stop signal (p.Arg3554*) in the LRP2 gene. It is expected to result in an absent or disrupted protein product. Loss-of-function variants in LRP2 are known to be pathogenic (PMID: 17632512, 25682901). This variant is not present in population databases (gnomAD no frequency). This variant has not been reported in the literature in individuals affected with LRP2-related conditions. ClinVar contains an entry for this variant (Variation ID: 1458573). For these reasons, this variant has been classified as Pathogenic.

Fulgent Genetics
Classification: Likely pathogenic for Donnai-Barrow syndrome. Last evaluated: 2024-01-24. Review status: criteria provided, single submitter. Criteria: ACMG Guidelines, 2015. Collection method: clinical testing. Allele origin: germline.

PreventionGenetics, part of Exact Sciences
Classification: Likely pathogenic for LRP2-related condition. Last evaluated: 2022-09-29. Review status: criteria provided, single submitter. Criteria: ACMG Guidelines, 2015. Collection method: clinical testing. Allele origin: germline.
Comment: The LRP2 c.10660C>T variant is predicted to result in premature protein termination (p.Arg3554*). To our knowledge, this variant has not been reported in the literature or in a large population database, indicating this variant is rare. Nonsense variants in LRP2 are expected to be pathogenic, and therefore we interpret c.10660C>T (p.Arg3554*) as likely pathogenic.

Literature cited by the submitters: PubMed 17632512 (cited by Labcorp Genetics (formerly Invitae), Labcorp); PubMed 25682901 (cited by Labcorp Genetics (formerly Invitae), Labcorp).

NM_004525.3(LRP2):c.10660C>T (p.Arg3554Ter)

Gene: LRP2 (LDL receptor related protein 2; minus strand). Cytogenetic location: 2q31.1.
Variant type: single nucleotide variant.
Coding change: c.10660C>T on transcript NM_004525.3 (MANE Select); coding-DNA position 10660, C replaced by T.
Protein change: p.Arg3554Ter; replaces arginine 3554 with a stop codon.
Molecular consequence: nonsense.
Genome position (GRCh38, 1-based): chr2:169,175,301, G>A on the plus strand (C>T on the coding strand, the complement: LRP2 is on the minus strand). VCF-style: chr2-169175301-G-A. GRCh37 (hg19) VCF-style: chr2-170031811-G-A.
Other names: c.10660C>T (NM_004525.2); short protein forms R3554*.
Identifiers: ClinVar variation 1458573 (VCV001458573.9), dbSNP rs768458485, ClinGen allele CA349146559.
Genomic context (GRCh38, chr2:169,175,301, plus strand): 5'-CATTGCATAAAGTCTGCGGGCTGGTGCAGTTGCCGTCACTGCACTGGAACTGTCCCAGTC[G>A]GCAGAAGCGCTGCGGGCAAAGGGCCAGTTCATCAGAGCCATCTGAGCAGTCTTTCTGTCC-3'